The following is an entry in ClinVar:

ClinVar aggregate classification (germline): Uncertain significance. Review status: criteria provided, multiple submitters, no conflicts (2 of 4 stars). 3 submissions from 3 submitters: Uncertain significance (3). Last evaluated 2021-08-02.

Conditions:
Cardiovascular phenotype. Identifiers: MedGen CN230736.
Alstrom syndrome (ALMS). Identifiers: Orphanet 64, MedGen C0268425, MONDO:0008763, OMIM 203800.

Allele frequency attached by ClinVar (database versions not stated): gnomAD exomes below 0.00001 and 0.00004; ExAC 0.00001; gnomAD 0.00001; TOPMed 0.00001.
gnomAD v4.1: 53 of 1,614,072 alleles (0.0033%); highest among the groups gnomAD compares: Non-Finnish European, 0.0045%; no homozygotes.

Submissions (3):

Fulgent Genetics
Classification: Uncertain significance for Alstrom syndrome. Last evaluated: 2021-08-02. Review status: criteria provided, single submitter. Criteria: ACMG Guidelines, 2015. Collection method: clinical testing. Allele origin: unknown.

GeneDx
Classification: Uncertain significance. Last evaluated: 2019-11-27. Review status: criteria provided, single submitter. Criteria: GeneDx Variant Classification Process June 2021. Collection method: clinical testing. Allele origin: germline. Affected: yes.
Comment: Not observed at a significant frequency in large population cohorts (Lek et al., 2016); In silico analysis, which includes protein predictors and evolutionary conservation, supports a deleterious effect; Has not been previously published as pathogenic or benign to our knowledge

Ambry Genetics
Classification: Uncertain significance for Cardiovascular phenotype. Last evaluated: 2019-01-23. Review status: criteria provided, single submitter. Criteria: Ambry Variant Classification Scheme 2023. Collection method: clinical testing. Allele origin: germline.
Comment: The p.R2615G variant (also known as c.7843A>G), located in coding exon 10 of the ALMS1 gene, results from an A to G substitution at nucleotide position 7843. The arginine at codon 2615 is replaced by glycine, an amino acid with dissimilar properties. This amino acid position is highly conserved in available vertebrate species. In addition, the in silico prediction for this alteration is inconclusive. Since supporting evidence is limited at this time, the clinical significance of this alteration remains unclear.

NM_001378454.1(ALMS1):c.7840A>G (p.Arg2614Gly)

Gene: ALMS1 (ALMS1 centrosome and basal body associated protein; plus strand). Cytogenetic location: 2p13.1.
Variant type: single nucleotide variant.
Coding change: c.7840A>G on transcript NM_001378454.1 (MANE Select); coding-DNA position 7840, A replaced by G.
Protein change: p.Arg2614Gly; replaces arginine 2614 with glycine.
Molecular consequence: missense variant.
Genome position (GRCh38, 1-based): chr2:73,489,799, A>G. VCF-style: chr2-73489799-A-G. GRCh37 (hg19) VCF-style: chr2-73716926-A-G.
Other names: c.7843A>G, p.Arg2615Gly (NM_015120.4); short protein forms R2614G, R2615G.
Identifiers: ClinVar variation 1310650 (VCV001310650.5), dbSNP rs769890820, ClinGen allele CA1714357.